The following is an entry in ClinVar:

ClinVar aggregate classification (germline): Uncertain significance (1 of 4 stars; one submission).

Submission:

GeneDx
Classification: Uncertain significance. Last evaluated: 2025-04-08. Review status: criteria provided, single submitter. Criteria: GeneDx Variant Classification Process June 2021. Collection method: clinical testing. Allele origin: germline. Affected: yes.
Comment: Not observed at significant frequency in large population cohorts (gnomAD); In silico analysis indicates that this missense variant does not alter protein structure/function; Has not been previously published as pathogenic or benign to our knowledge

NM_001829.4(CLCN3):c.213A>C (p.Leu71Phe)

Gene: CLCN3 (chloride voltage-gated channel 3; plus strand). Cytogenetic location: 4q33.
Variant type: single nucleotide variant.
Coding change: c.213A>C on transcript NM_001829.4 (MANE Select); coding-DNA position 213, A replaced by C.
Protein change: p.Leu71Phe; replaces leucine 71 with phenylalanine.
Molecular consequence: missense variant.
Genome position (GRCh38, 1-based): chr4:169,680,102, A>C. VCF-style: chr4-169680102-A-C. GRCh37 (hg19) VCF-style: chr4-170601253-A-C.
Other names: c.213A>C, p.Leu71Phe (NM_001243372.2, NM_173872.4); c.132A>C, p.Leu44Phe (NM_001243374.2); short protein forms L44F, L71F.
Identifiers: ClinVar variation 4281701 (VCV004281701.1).